The following is an entry in ClinVar:

ClinVar aggregate classification (germline): Likely benign. Review status: criteria provided, single submitter (1 of 4 stars). 2 submissions from 2 submitters: Likely benign (1). 1 of the submissions does not count toward it. Last evaluated 2021-09-30.

Conditions:
Frontotemporal dementia and/or amyotrophic lateral sclerosis 6 (FTDALS6). Also called: VCP-Related Amyotrophic Lateral Sclerosis/Frontotemporal Dementia; VCP-Related Amyotrophic Lateral Sclerosis. Identifiers: Orphanet 275872, Orphanet 803, MedGen C5436279, MONDO:0013501, OMIM 613954.
Inclusion body myopathy with Paget disease of bone and frontotemporal dementia. Also called: Inclusion body myopathy with early-onset Paget disease and frontotemporal dementia. Identifiers: Orphanet 52430, MedGen C1833662, MONDO:0000507.
VCP-related disorder. Also called: VCP-related condition; VCP-related disorders.

Allele frequency attached by ClinVar (database versions not stated): gnomAD exomes below 0.00001; ExAC 0.00001.
gnomAD v4.1: 11 of 1,614,166 alleles (0.00068%); highest among the groups gnomAD compares: Admixed American, 0.0017%; no homozygotes.

Submissions (2):

Labcorp Genetics (formerly Invitae), Labcorp
Classification: Likely benign for Inclusion body myopathy with Paget disease of bone and frontotemporal dementia; Frontotemporal dementia and/or amyotrophic lateral sclerosis 6. Last evaluated: 2021-09-30. Review status: criteria provided, single submitter. Criteria: Invitae Variant Classification Sherloc (09022015). Collection method: clinical testing. Allele origin: germline.

PreventionGenetics, part of Exact Sciences
Classification: Likely benign for VCP-related condition. Last evaluated: 2022-12-07. Review status: no assertion criteria provided. Collection method: clinical testing. Allele origin: germline. Not counted in ClinVar's aggregate classification.
Comment: This variant is classified as likely benign based on ACMG/AMP sequence variant interpretation guidelines (Richards et al. 2015 PMID: 25741868, with internal and published modifications).

NM_007126.5(VCP):c.1081+9T>C

Gene: VCP (valosin containing protein; minus strand). Cytogenetic location: 9p13.3.
Variant type: single nucleotide variant.
Coding change: c.1081+9T>C on transcript NM_007126.5 (MANE Select); 9 bases into the intron after coding-DNA position 1081, T replaced by C.
Molecular consequence: intron variant.
Genome position (GRCh38, 1-based): chr9:35,061,994, A>G on the plus strand (T>C on the coding strand, the complement: VCP is on the minus strand). VCF-style: chr9-35061994-A-G. GRCh37 (hg19) VCF-style: chr9-35061991-A-G.
Other names: c.946+9T>C (NM_001354927.2, NM_001354928.2); c.1081+9T>C (NM_007126.3).
Identifiers: ClinVar variation 1607569 (VCV001607569.9), dbSNP rs773115735, ClinGen allele CA5039333.